The following is an entry in ClinVar:

ClinVar aggregate classification (germline): Uncertain significance. Review status: reviewed by expert panel (3 of 4 stars). 3 submissions from 3 submitters: Uncertain significance (1). 2 of the submissions do not count toward it. Last evaluated 2025-04-25.

Conditions:
Deficiency of guanidinoacetate methyltransferase (CCDS2). Also called: CEREBRAL CREATINE DEFICIENCY SYNDROME 2; Guanidinoacetate Methyltransferase (GAMT) Deficiency; GAMT DEFICIENCY. Identifiers: Orphanet 382, MedGen C0574080, MONDO:0012999, OMIM 612736.
Cerebral creatine deficiency syndrome. Also called: Creatine deficiency syndromes. Identifiers: Orphanet 79172, MedGen C5244016, MONDO:0000456.

Submissions (3):

ClinGen Cerebral Creatine Deficiency Syndromes Variant Curation Expert Panel, ClinGen
Classification: Uncertain significance for Deficiency of guanidinoacetate methyltransferase. Last evaluated: 2025-04-25. Review status: reviewed by expert panel. Criteria: ClinGen CCDS ACMG Specifications GAMT V2.0.0. Collection method: curation. Allele origin: germline. Inheritance: Autosomal recessive inheritance.
Comment: The NM_000156.6:c.440_441del (p.His147ProfsTer43) variant in GAMT is a frameshift variant predicted to cause a premature stop codon in the last 50 nucleotides of the penultimate exon of the gene and therefore to escape nonsense mediated decay. More than 10% of the protein is predicted to be removed. (PVS1_Strong). To our knowledge, this variant has not been reported in the literature and results of functional studies are unavailable. The highest population minor allele frequency in gnomAD v4.1.0. is 0.00001666 (1/60034 alleles) in the Admixed American population, which is lower than the ClinGen CCDS VCEP’s threshold for PM2_Supporting (<0.0004), meeting this criterion (PM2_Supporting). There is a ClinVar entry for this variant (Variation ID: 854960). In summary, this variant meets the criteria to be classified as a variant of uncertain significance for GAMT deficiency based on the ACMG/AMP criteria applied, as specified by the ClinGen Cerebral Creatine Deficiency Syndromes Variant Curation Expert Panel (Specifications Version 2.0.0): PVS1_Strong, PM2_Supporting. (Classification approved by the ClinGen Cerebral Creatine Deficiency Syndromes Variant Curation Expert Panel on April 25, 2025)

Broad Center for Mendelian Genomics, Broad Institute of MIT and Harvard
Classification: Uncertain significance for Cerebral creatine deficiency syndrome. Last evaluated: 2021-11-02. Review status: criteria provided, single submitter. Criteria: ACMG Guidelines, 2015. Collection method: curation. Allele origin: germline. Inheritance: Autosomal recessive inheritance. Not counted in ClinVar's aggregate classification.
Comment: The p.His147fs variant in GAMT has not been previously reported in individuals with cerebral creatine deficiency syndrome but has been identified in 0.0009% (1/113542) of European (non-Finnish) chromosomes by the Genome Aggregation Database (gnomAD; dbSNP ID: rs1487842051). Although this variant has been seen in the general population in a heterozygous state, its frequency is low enough to be consistent with a recessive carrier frequency. This variant has also been reported in ClinVar (Variation ID#: 854960) and has been interpreted as pathogenic by Invitae. This variant is predicted to cause a frameshift, which alters the protein’s amino acid sequence beginning at position 147 and leads to a premature termination codon 43 amino acids downstream. This termination codon occurs within the terminal 50 bases of the second to last exon and is more likely to escape nonsense mediated decay (NMD) and result in a truncated protein. Loss of function of the GAMT gene is an established disease mechanism in cerebral creatine deficiency syndrome. In summary, the clinical significance of the p.His147fs variant is uncertain. ACMG/AMP Criteria applied: PVS1_strong, PM2_supporting (Richards 2015).

Labcorp Genetics (formerly Invitae), Labcorp
Classification: Pathogenic for Cerebral creatine deficiency syndrome. Last evaluated: 2020-03-10. Review status: criteria provided, single submitter. Criteria: Invitae Variant Classification Sherloc (09022015). Collection method: clinical testing. Allele origin: germline. Not counted in ClinVar's aggregate classification.
Comment: For these reasons, this variant has been classified as Pathogenic. This variant disrupts the C-terminus of the GAMT protein. Other variant(s) that disrupt this region (p.Val165Argfs*26) have been observed in individuals with GAMT-related conditions (PMID: 28438604, 11136556). This suggests that this may be a clinically significant region of the protein. This variant has not been reported in the literature in individuals with GAMT-related conditions. This variant is not present in population databases (ExAC no frequency). This sequence change results in a premature translational stop signal in the GAMT gene (p.His147Profs*43). While this is not anticipated to result in nonsense mediated decay, it is expected to disrupt the last 90 amino acids of the GAMT protein.

Literature cited by the submitters: PubMed 28438604 (cited by Labcorp Genetics (formerly Invitae), Labcorp); PubMed 11136556 (cited by Labcorp Genetics (formerly Invitae), Labcorp).

NM_000156.6(GAMT):c.440_441del (p.His147fs)

Gene: GAMT (guanidinoacetate N-methyltransferase; minus strand). Cytogenetic location: 19p13.3.
Variant type: Microsatellite.
Coding change: c.440_441del on transcript NM_000156.6 (MANE Select); coding-DNA positions 440 to 441, 2 bases deleted (AC; older notation c.440_441delAC).
Protein change: p.His147fs; shifts the reading frame from histidine 147.
Molecular consequence: frameshift variant.
Genome position (GRCh38, 1-based): chr19:1,399,146-1,399,147, GT deleted on the plus strand (AC on the coding strand, the reverse complement: GAMT is on the minus strand); deleting any 2 consecutive bases within chr19:1,399,146-1,399,154 gives the same sequence; the c. name uses the placement nearest the transcript's 3' end. VCF-style (leftmost placement, unchanged base first): chr19-1399145-GGT-G. GRCh37 (hg19) VCF-style: chr19-1399144-GGT-G.
Other names: NM_000156.6(GAMT):c.440_441del; p.His147fs; c.440_441del, p.His147fs (NM_138924.3); short protein forms H147fs.
Identifiers: ClinVar variation 854960 (VCV000854960.15), dbSNP rs1487842051, ClinGen allele CA631044734.
Genomic context (GRCh38, chr19:1,399,145, plus strand): 5'-TCCCCGAGGGCCTCCCGCATCCCAGCAAGTCAGAGAGAACCACCTTGATGAAGTTGAACT[GGT>G]GTGTGTGCCAGGTCTCCTCCGAGAGTGGGTACGTGTCGTACAGGATCCCTGCACGGAGAA-3'